The following is an entry in ClinVar:

NM_001353921.2(ARHGEF9):c.1362G>T (p.Met454Ile)

Gene: ARHGEF9 (Cdc42 guanine nucleotide exchange factor 9; minus strand). Cytogenetic location: Xq11.1.
Variant type: single nucleotide variant.
Coding change: c.1362G>T on transcript NM_001353921.2 (MANE Select); coding-DNA position 1362, G replaced by T.
Protein change: p.Met454Ile; replaces methionine 454 with isoleucine.
Molecular consequence: missense variant. On other transcripts: stop lost (2).
Genome position (GRCh38, 1-based): chrX:63,644,008, C>A on the plus strand (G>T on the coding strand, the complement: ARHGEF9 is on the minus strand). VCF-style: chrX-63644008-C-A. GRCh37 (hg19) VCF-style: chrX-62863888-C-A.
Other names: c.1182G>T, p.Met394Ile (NM_001173479.2); c.1035G>T, p.Met345Ile (NM_001173480.2, NM_001369042.1); c.1278G>T, p.Met426Ile (NM_001330495.2, NM_001369033.1, NM_001369034.1 and 4 more transcripts); c.1230G>T, p.Met410Ile (NM_001353922.2); c.1380G>T, p.Met460Ile (NM_001353923.1); c.1161G>T, p.Met387Ile (NM_001353924.2, NM_001353926.2, NM_001369039.1 and 1 more transcripts); c.1146G>T, p.Met382Ile (NM_001353927.2, NM_001369041.1); c.1209G>T, p.Met403Ile (NM_001353928.2); and 3 more; short protein forms M265I, M345I, M403I, M382I, M394I, M426I, M447I, M387I.
Identifiers: ClinVar variation 2853863 (VCV002853863.3), dbSNP rs2519503575, ClinGen allele CA413402568.

ClinVar aggregate classification (germline): Uncertain significance (1 of 4 stars; one submission).

Conditions:
Developmental and epileptic encephalopathy, 8 (DEE8). Also called: HYPEREKPLEXIA AND EPILEPSY. Identifiers: Orphanet 163985, Orphanet 2076, MedGen C1845102, MONDO:0010375, OMIM 300607.

Submission:

Labcorp Genetics (formerly Invitae), Labcorp
Classification: Uncertain significance for Developmental and epileptic encephalopathy, 8. Last evaluated: 2023-04-13. Review status: criteria provided, single submitter. Criteria: Invitae Variant Classification Sherloc (09022015). Collection method: clinical testing. Allele origin: germline.
Comment: Advanced modeling of protein sequence and biophysical properties (such as structural, functional, and spatial information, amino acid conservation, physicochemical variation, residue mobility, and thermodynamic stability) has been performed at Invitae for this missense variant, however the output from this modeling did not meet the statistical confidence thresholds required to predict the impact of this variant on ARHGEF9 protein function. This sequence change replaces methionine, which is neutral and non-polar, with isoleucine, which is neutral and non-polar, at codon 447 of the ARHGEF9 protein (p.Met447Ile). This variant is not present in population databases (gnomAD no frequency). This variant has not been reported in the literature in individuals affected with ARHGEF9-related conditions. In summary, the available evidence is currently insufficient to determine the role of this variant in disease. Therefore, it has been classified as a Variant of Uncertain Significance.